The following is an entry in ClinVar:

ClinVar aggregate classification (germline): Uncertain significance. Review status: criteria provided, multiple submitters, no conflicts (2 of 4 stars). 2 submissions from 2 submitters: Uncertain significance (2). Last evaluated 2021-07-19.

Conditions:
Hyperaldosteronism, familial, type IV (HALD4). Also called: FH IV; ALDOSTERONISM, PRIMARY, AND HYPERTENSION. Identifiers: Orphanet 642671, MedGen C4310756, MONDO:0014875, OMIM 617027.
Idiopathic generalized epilepsy. Also called: Generalised epilepsy; EIG. Identifiers: MedGen C0270850, MONDO:0005579, OMIM 600669.
Epilepsy, childhood absence, susceptibility to, 6. Identifiers: Orphanet 64280, MedGen C2749872, MONDO:0012763, OMIM 611942.

Allele frequency attached by ClinVar (database versions not stated): gnomAD exomes below 0.00001.
gnomAD v4.1: 2 of 1,613,120 alleles (0.00012%); highest among the groups gnomAD compares: Admixed American, 0.0017%; no homozygotes.

Submissions (2):

Fulgent Genetics
Classification: Uncertain significance for Epilepsy, childhood absence, susceptibility to, 6; Hyperaldosteronism, familial, type IV. Last evaluated: 2021-07-19. Review status: criteria provided, single submitter. Criteria: ACMG Guidelines, 2015. Collection method: clinical testing. Allele origin: unknown.

Labcorp Genetics (formerly Invitae), Labcorp
Classification: Uncertain significance for Idiopathic generalized epilepsy; Hyperaldosteronism, familial, type IV. Last evaluated: 2019-12-30. Review status: criteria provided, single submitter. Criteria: Invitae Variant Classification Sherloc (09022015). Collection method: clinical testing. Allele origin: germline.
Comment: This sequence change replaces alanine with valine at codon 1665 of the CACNA1H protein (p.Ala1665Val). The alanine residue is weakly conserved and there is a small physicochemical difference between alanine and valine. In summary, the available evidence is currently insufficient to determine the role of this variant in disease. Therefore, it has been classified as a Variant of Uncertain Significance. Algorithms developed to predict the effect of missense changes on protein structure and function output the following: SIFT: "Tolerated"; PolyPhen-2: "Benign"; Align-GVGD: "Class C0". The valine amino acid residue is found in multiple mammalian species, suggesting that this missense change does not adversely affect protein function. These predictions have not been confirmed by published functional studies and their clinical significance is uncertain. This variant has not been reported in the literature in individuals with CACNA1H-related conditions. This variant is not present in population databases (ExAC no frequency).

NM_021098.3(CACNA1H):c.4994C>T (p.Ala1665Val)

Gene: CACNA1H (calcium voltage-gated channel subunit alpha1 H; plus strand). Cytogenetic location: 16p13.3.
Variant type: single nucleotide variant.
Coding change: c.4994C>T on transcript NM_021098.3 (MANE Select); coding-DNA position 4994, C replaced by T.
Protein change: p.Ala1665Val; replaces alanine 1665 with valine.
Molecular consequence: missense variant.
Genome position (GRCh38, 1-based): chr16:1,215,036, C>T. VCF-style: chr16-1215036-C-T. GRCh37 (hg19) VCF-style: chr16-1265036-C-T.
Other names: c.4976C>T, p.Ala1659Val (NM_001005407.2); short protein forms A1665V, A1659V.
Identifiers: ClinVar variation 840235 (VCV000840235.11), dbSNP rs1317563201, ClinGen allele CA394146199.